The following is an entry in ClinVar:

ClinVar aggregate classification (germline): Uncertain significance (1 of 4 stars; one submission).

gnomAD v4.1: 1 of 1,614,220 alleles (0.000062%); highest among the groups gnomAD compares: Non-Finnish European, 0.000085%; no homozygotes.

Submission:

GeneDx
Classification: Uncertain significance. Last evaluated: 2026-04-21. Review status: criteria provided, single submitter. Criteria: GeneDx Variant Classification Process June 2021. Collection method: clinical testing. Allele origin: germline.
Comment: Not observed at significant frequency in large population cohorts (gnomAD); In silico analysis supports that this missense variant has a deleterious effect on protein structure/function; Has not been previously published as pathogenic or benign to our knowledge

NM_001395159.1(UNC79):c.1231C>T (p.His411Tyr)

Gene: UNC79 (unc-79 subunit of NALCN channel complex; plus strand). Cytogenetic location: 14q32.12.
Variant type: single nucleotide variant.
Coding change: c.1231C>T on transcript NM_001395159.1 (MANE Select); coding-DNA position 1231, C replaced by T.
Protein change: p.His411Tyr; replaces histidine 411 with tyrosine.
Molecular consequence: missense variant.
Genome position (GRCh38, 1-based): chr14:93,538,097, C>T. VCF-style: chr14-93538097-C-T. GRCh37 (hg19) VCF-style: chr14-94004443-C-T.
Other names: c.1231C>T, p.His411Tyr (NM_001346218.2); c.700C>T, p.His234Tyr (NM_020818.5); short protein forms H234Y, H411Y.
Identifiers: ClinVar variation 5037076 (VCV005037076.1).